The following is an entry in ClinVar:

ClinVar aggregate classification (germline): Likely benign. Review status: criteria provided, multiple submitters, no conflicts (2 of 4 stars). 3 submissions from 3 submitters: Likely benign (3). Last evaluated 2025-07-01.

Conditions:
Situs inversus. Also called: Situs inversus totalis. Identifiers: Orphanet 101063, MedGen C4551493, MONDO:0010029, HP:0001696.

Allele frequency attached by ClinVar (database versions not stated): 1000 Genomes Project 30x 0.00234; 1000 Genomes Project 0.00240; gnomAD 0.00434 and 0.00442; TOPMed 0.00439; gnomAD exomes 0.00490 and 0.00552; ExAC 0.00503; ESP Exome Variant Server 0.00538.
gnomAD v4.1: 8,798 of 1,613,894 alleles (0.55%); highest among the groups gnomAD compares: Middle Eastern, 1.7%; 42 homozygotes.

Submissions (3):

CeGaT Center for Human Genetics Tuebingen
Classification: Likely benign. Last evaluated: 2025-07-01. Review status: criteria provided, single submitter. Criteria: CeGaT Center For Human Genetics Tuebingen Variant Classification Criteria Version 2. Collection method: clinical testing. Allele origin: germline. Affected: yes. Observed: 3 variant alleles.
Comment: CFAP52: BS2

Labcorp Genetics (formerly Invitae), Labcorp
Classification: Likely benign for Situs inversus. Last evaluated: 2025-05-30. Review status: criteria provided, single submitter. Criteria: Invitae Variant Classification Sherloc (09022015). Collection method: clinical testing. Allele origin: germline.

Breakthrough Genomics
Classification: Likely benign. Review status: criteria provided, single submitter. Criteria: ACMG Guidelines, 2015. Collection method: not provided. Allele origin: germline. Inheritance: Autosomal recessive inheritance. Affected: yes.

NM_145054.5(CFAP52):c.458C>T (p.Ala153Val)

Gene: CFAP52 (cilia and flagella associated protein 52; plus strand). Cytogenetic location: 17p13.1.
Variant type: single nucleotide variant.
Coding change: c.458C>T on transcript NM_145054.5 (MANE Select); coding-DNA position 458, C replaced by T.
Protein change: p.Ala153Val; replaces alanine 153 with valine.
Molecular consequence: missense variant.
Genome position (GRCh38, 1-based): chr17:9,594,243, C>T. VCF-style: chr17-9594243-C-T. GRCh37 (hg19) VCF-style: chr17-9497560-C-T.
Other names: c.254C>T, p.Ala85Val (NM_001080556.2); short protein forms A153V, A85V.
Identifiers: ClinVar variation 707153 (VCV000707153.35), dbSNP rs77839011, ClinGen allele CA8381887.